The following is an entry in ClinVar:

NM_032246.6(MEX3B):c.943C>T (p.Leu315=)

Gene: MEX3B (mex-3 RNA binding family member B; minus strand). Cytogenetic location: 15q25.2.
Variant type: single nucleotide variant.
Coding change: c.943C>T on transcript NM_032246.6 (MANE Select); coding-DNA position 943, C replaced by T.
Protein change: p.Leu315=; no amino-acid change (leucine 315 retained).
Molecular consequence: synonymous variant.
Genome position (GRCh38, 1-based): chr15:82,043,927, G>A on the plus strand (C>T on the coding strand, the complement: MEX3B is on the minus strand). VCF-style: chr15-82043927-G-A. GRCh37 (hg19) VCF-style: chr15-82336268-G-A.
Identifiers: ClinVar variation 4534603 (VCV004534603.6).

ClinVar aggregate classification (germline): Likely benign (1 of 4 stars; one submission).

Submission:

CeGaT Center for Human Genetics Tuebingen
Classification: Likely benign. Last evaluated: 2025-10-01. Review status: criteria provided, single submitter. Criteria: CeGaT Center For Human Genetics Tuebingen Variant Classification Criteria Version 2. Collection method: clinical testing. Allele origin: germline. Affected: yes. Observed: 1 variant allele.
Comment: MEX3B: BP4, BP7